The following is an entry in ClinVar:

NM_004370.6(COL12A1):c.7510G>T (p.Ala2504Ser)

Gene: COL12A1 (collagen type XII alpha 1 chain; minus strand). Cytogenetic location: 6q13.
Variant type: single nucleotide variant.
Coding change: c.7510G>T on transcript NM_004370.6 (MANE Select); coding-DNA position 7510, G replaced by T.
Protein change: p.Ala2504Ser; replaces alanine 2504 with serine.
Molecular consequence: missense variant.
Genome position (GRCh38, 1-based): chr6:75,117,391, C>A on the plus strand (G>T on the coding strand, the complement: COL12A1 is on the minus strand). VCF-style: chr6-75117391-C-A. GRCh37 (hg19) VCF-style: chr6-75827107-C-A.
Other names: c.7510G>T, p.Ala2504Ser (NM_001424113.1); c.7489G>T, p.Ala2497Ser (NM_001424114.1); c.7237G>T, p.Ala2413Ser (NM_001424115.1); c.4018G>T, p.Ala1340Ser (NM_001424116.1, NM_080645.3); short protein forms A1340S, A2413S, A2497S, A2504S.
Identifiers: ClinVar variation 3748409 (VCV003748409.2).

ClinVar aggregate classification (germline): Uncertain significance (1 of 4 stars; one submission).

Conditions:
Ullrich congenital muscular dystrophy 2 (UCMD2). Identifiers: Orphanet 75840, MedGen C4225314, MONDO:0014654, OMIM 616470.
Bethlem myopathy 2 (BTHLM2). Identifiers: Orphanet 536516, Orphanet 610, MedGen C4225313, MONDO:0034022, OMIM 616471.

gnomAD v4.1: 9 of 1,613,058 alleles (0.00056%); highest among the groups gnomAD compares: Non-Finnish European, 0.00076%; no homozygotes.

Submission:

Labcorp Genetics (formerly Invitae), Labcorp
Classification: Uncertain significance for Bethlem myopathy 2; Ullrich congenital muscular dystrophy 2. Last evaluated: 2024-09-14. Review status: criteria provided, single submitter. Criteria: Invitae Variant Classification Sherloc (09022015). Collection method: clinical testing. Allele origin: germline.
Comment: This sequence change replaces alanine, which is neutral and non-polar, with serine, which is neutral and polar, at codon 2504 of the COL12A1 protein (p.Ala2504Ser). This variant is not present in population databases (gnomAD no frequency). This variant has not been reported in the literature in individuals affected with COL12A1-related conditions. Invitae Evidence Modeling of protein sequence and biophysical properties (such as structural, functional, and spatial information, amino acid conservation, physicochemical variation, residue mobility, and thermodynamic stability) has been performed for this missense variant. However, the output from this modeling did not meet the statistical confidence thresholds required to predict the impact of this variant on COL12A1 protein function. In summary, the available evidence is currently insufficient to determine the role of this variant in disease. Therefore, it has been classified as a Variant of Uncertain Significance.